The following is an entry in ClinVar:

ClinVar aggregate classification (germline): Benign/Likely benign. Review status: criteria provided, multiple submitters, no conflicts (2 of 4 stars). 2 submissions from 2 submitters: Benign (1); Likely benign (1). Last evaluated 2026-09-01.

Allele frequency attached by ClinVar (database versions not stated): 1000 Genomes Project 30x 0.00141; 1000 Genomes Project 0.00180; ExAC 0.00343; TOPMed 0.00376; gnomAD 0.00411; ESP Exome Variant Server 0.00546; gnomAD exomes 0.00612.
gnomAD v4.1: 9,586 of 1,614,224 alleles (0.59%); highest among the groups gnomAD compares: Non-Finnish European, 0.72%; 49 homozygotes.

Submissions (2):

CeGaT Center for Human Genetics Tuebingen
Classification: Likely benign. Last evaluated: 2026-09-01. Review status: criteria provided, single submitter. Criteria: CeGaT Center For Human Genetics Tuebingen Variant Classification Criteria Version 2. Collection method: clinical testing. Allele origin: germline. Affected: yes. Observed: 17 variant alleles.
Comment: ADARB1: BP4, BP7, BS2

Mayo Clinic Laboratories, Mayo Clinic
Classification: Benign. Last evaluated: 2023-04-11. Review status: criteria provided, single submitter. Criteria: ACMG Guidelines, 2015. Collection method: clinical testing. Allele origin: germline. Observed: 3 variant alleles.
Comment: BS1, BS2, BP4, BP7

NM_001112.4(ADARB1):c.843G>A (p.Lys281=)

Gene: ADARB1 (adenosine deaminase RNA specific B1; plus strand). Cytogenetic location: 21q22.3.
Variant type: single nucleotide variant.
Coding change: c.843G>A on transcript NM_001112.4 (MANE Select); coding-DNA position 843, G replaced by A.
Protein change: p.Lys281=; no amino-acid change (lysine 281 retained).
Molecular consequence: synonymous variant. On other transcripts: non-coding transcript variant (4).
Genome position (GRCh38, 1-based): chr21:45,176,544, G>A. VCF-style: chr21-45176544-G-A. GRCh37 (hg19) VCF-style: chr21-46596459-G-A.
Other names: p.Lys281=; c.990G>A, p.Lys330= (NM_001346687.2, NM_001410722.1); c.843G>A, p.Lys281= (NM_001346688.2, NM_015833.4, NM_015834.4 and 1 more transcripts).
Identifiers: ClinVar variation 2652786 (VCV002652786.25), dbSNP rs61735851, ClinGen allele CA10064196.